The following is an entry in ClinVar:

NM_001754.5(RUNX1):c.805+12735G>T

Gene: RUNX1 (RUNX family transcription factor 1; minus strand). Cytogenetic location: 21q22.12.
Variant type: single nucleotide variant.
Coding change: c.805+12735G>T on transcript NM_001754.5 (MANE Select); 12735 bases into the intron after coding-DNA position 805, G replaced by T.
Molecular consequence: intron variant. On other transcripts: missense variant (1).
Genome position (GRCh38, 1-based): chr21:34,821,675, C>A on the plus strand (G>T on the coding strand, the complement: RUNX1 is on the minus strand). VCF-style: chr21-34821675-C-A. GRCh37 (hg19) VCF-style: chr21-36193972-C-A.
Other names: c.746G>T, p.Arg249Ile (NM_001122607.2); c.724+12735G>T (NM_001001890.3); short protein forms R249I.
Identifiers: ClinVar variation 5028588 (VCV005028588.1).

ClinVar aggregate classification (germline): Uncertain significance (1 of 4 stars; one submission).

Conditions:
Inborn genetic diseases. Identifiers: MedGen C0950123, MeSH D030342.

Submission:

Ambry Genetics
Classification: Uncertain significance for Inborn genetic diseases. Last evaluated: 2026-07-07. Review status: criteria provided, single submitter. Criteria: Ambry Variant Classification Scheme 2023. Collection method: clinical testing. Allele origin: germline.
Comment: The p.R249I variant (also known as c.746G>T), located in coding exon 5 of the RUNX1 gene, results from a G to T substitution at nucleotide position 746. The arginine at codon 249 is replaced by isoleucine, an amino acid with similar properties. This amino acid position is conserved. In addition, this alteration is predicted to be tolerated by in silico analysis. Based on the available evidence, the clinical significance of this variant remains unclear.